The following is an entry in ClinVar:

NM_001048174.2(MUTYH):c.1559C>T (p.Ala520Val)

Gene: MUTYH (mutY DNA glycosylase; minus strand). Cytogenetic location: 1p34.1.
Variant type: single nucleotide variant.
Coding change: c.1559C>T on transcript NM_001048174.2 (MANE Select); coding-DNA position 1559, C replaced by T.
Protein change: p.Ala520Val; replaces alanine 520 with valine.
Molecular consequence: missense variant. On other transcripts: non-coding transcript variant (7).
Genome position (GRCh38, 1-based): chr1:45,329,313, G>A on the plus strand (C>T on the coding strand, the complement: MUTYH is on the minus strand). VCF-style: chr1-45329313-G-A. GRCh37 (hg19) VCF-style: chr1-45794985-G-A.
Other names: c.1559C>T, p.Ala520Val (NM_001048171.2, NM_001048173.2, NM_001293195.2 and 6 more transcripts); c.1562C>T, p.Ala521Val (NM_001048172.2, NM_001407086.1, NM_001407071.1 and 1 more transcripts); c.1643C>T, p.Ala548Val (NM_001128425.2); c.1604C>T, p.Ala535Val (NM_001293190.2); c.1592C>T, p.Ala531Val (NM_001293191.2, NM_001407069.1, NM_001407077.1); c.1283C>T, p.Ala428Val (NM_001293192.2, NM_001293196.2, NM_001407091.1); c.1214C>T, p.Ala405Val (NM_001350650.2, NM_001407082.1, NM_001350651.2); c.1517C>T, p.Ala506Val (NM_001407080.1); and 5 more; short protein forms A405V, A492V, A545V, A507V, A531V, A535V, A428V, A506V.
Identifiers: ClinVar variation 4113491 (VCV004113491.1).

ClinVar aggregate classification (germline): Uncertain significance (1 of 4 stars; one submission).

Conditions:
Hereditary cancer-predisposing syndrome. Also called: Hereditary neoplastic syndrome; Neoplastic Syndromes, Hereditary; Tumor predisposition; Hereditary Cancer Syndrome. Identifiers: Orphanet 140162, MedGen C0027672, MeSH D009386, MONDO:0015356.

Submission:

Ambry Genetics
Classification: Uncertain significance for Hereditary cancer-predisposing syndrome. Last evaluated: 2025-08-27. Review status: criteria provided, single submitter. Criteria: Ambry Variant Classification Scheme 2023. Collection method: clinical testing. Allele origin: germline.
Comment: The p.A548V variant (also known as c.1643C>T), located in coding exon 16 of the MUTYH gene, results from a C to T substitution at nucleotide position 1643. The alanine at codon 548 is replaced by valine, an amino acid with similar properties. This amino acid position is conserved. In addition, this alteration is predicted to be tolerated by in silico analysis. Based on the available evidence, the clinical significance of this variant remains unclear.